The following is an entry in ClinVar:

ClinVar aggregate classification (germline): Uncertain significance (1 of 4 stars; one submission).

Conditions:
Neutral lipid storage myopathy (NLSDM). Also called: NEUTRAL LIPID STORAGE DISEASE WITHOUT ICHTHYOSIS. Identifiers: Orphanet 98908, MedGen C1853136, MONDO:0012545, OMIM 610717.

Allele frequency attached by ClinVar (database versions not stated): gnomAD exomes below 0.00001 and 0.00001; gnomAD 0.00003; TOPMed 0.00003.
gnomAD v4.1: 22 of 1,607,882 alleles (0.0014%); highest among the groups gnomAD compares: Non-Finnish European, 0.0017%; no homozygotes.

Submission:

Labcorp Genetics (formerly Invitae), Labcorp
Classification: Uncertain significance for Neutral lipid storage myopathy. Last evaluated: 2022-07-11. Review status: criteria provided, single submitter. Criteria: Invitae Variant Classification Sherloc (09022015). Collection method: clinical testing. Allele origin: germline.
Comment: This sequence change replaces proline, which is neutral and non-polar, with serine, which is neutral and polar, at codon 258 of the PNPLA2 protein (p.Pro258Ser). In summary, the available evidence is currently insufficient to determine the role of this variant in disease. Therefore, it has been classified as a Variant of Uncertain Significance. Algorithms developed to predict the effect of missense changes on protein structure and function (SIFT, PolyPhen-2, Align-GVGD) all suggest that this variant is likely to be tolerated. ClinVar contains an entry for this variant (Variation ID: 949625). This variant has not been reported in the literature in individuals affected with PNPLA2-related conditions. The frequency data for this variant in the population databases is considered unreliable, as metrics indicate poor data quality at this position in the gnomAD database.

NM_020376.4(PNPLA2):c.772C>T (p.Pro258Ser)

Gene: PNPLA2 (patatin like domain 2, triacylglycerol lipase; plus strand). Cytogenetic location: 11p15.5.
Variant type: single nucleotide variant.
Coding change: c.772C>T on transcript NM_020376.4 (MANE Select); coding-DNA position 772, C replaced by T.
Protein change: p.Pro258Ser; replaces proline 258 with serine.
Molecular consequence: missense variant.
Genome position (GRCh38, 1-based): chr11:823,708, C>T. VCF-style: chr11-823708-C-T. GRCh37 (hg19) VCF-style: chr11-823708-C-T.
Other names: short protein forms P258S.
Identifiers: ClinVar variation 949625 (VCV000949625.8), dbSNP rs1246963580, ClinGen allele CA378981123.